The following is an entry in ClinVar:

NM_024301.5(FKRP):c.178_199del (p.Phe59_Asp60insTer)

Gene: FKRP (fukutin related protein; plus strand). Cytogenetic location: 19q13.32.
Variant type: Deletion.
Coding change: c.178_199del on transcript NM_024301.5 (MANE Select); coding-DNA positions 178 to 199, 22 bases deleted (GACAACGCGGTGCCCGAGCTGG).
Protein change: p.Phe59_Asp60insTer.
Molecular consequence: nonsense.
Genome position (GRCh38, 1-based): chr19:46,755,628-46,755,649, GACAACGCGGTGCCCGAGCTGG deleted. VCF-style (leftmost placement, unchanged base first): chr19-46755627-TGACAACGCGGTGCCCGAGCTGG-T. GRCh37 (hg19) VCF-style: chr19-47258884-TGACAACGCGGTGCCCGAGCTGG-T.
Other names: c.178_199del, p.Phe59_Asp60insTer (NM_001039885.3).
Identifiers: ClinVar variation 2828799 (VCV002828799.3), dbSNP rs2513985802, ClinGen allele CA2739276924.

ClinVar aggregate classification (germline): Pathogenic (1 of 4 stars; one submission).

Conditions:
Walker-Warburg congenital muscular dystrophy. Also called: Muscular dystrophy-dystroglycanopathy, type A; Walker-Warburg syndrome. Identifiers: Orphanet 899, MedGen C0265221, MONDO:0000171.

Submission:

Labcorp Genetics (formerly Invitae), Labcorp
Classification: Pathogenic for Walker-Warburg congenital muscular dystrophy. Last evaluated: 2023-03-01. Review status: criteria provided, single submitter. Criteria: Invitae Variant Classification Sherloc (09022015). Collection method: clinical testing. Allele origin: germline.
Comment: For these reasons, this variant has been classified as Pathogenic. This variant disrupts a region of the FKRP protein in which other variant(s) (p.Ile478Thr) have been determined to be pathogenic (PMID: 16476814, 18639457, 19299310). This suggests that this is a clinically significant region of the protein, and that variants that disrupt it are likely to be disease-causing. This variant has not been reported in the literature in individuals affected with FKRP-related conditions. This variant is not present in population databases (gnomAD no frequency). This sequence change creates a premature translational stop signal (p.Asp60*) in the FKRP gene. While this is not anticipated to result in nonsense mediated decay, it is expected to disrupt the last 436 amino acid(s) of the FKRP protein.

Literature cited by the submitters: PubMed 16476814; PubMed 18639457; PubMed 19299310.